The following is an entry in ClinVar:

ClinVar aggregate classification (germline): Uncertain significance (1 of 4 stars; one submission).

Conditions:
Immunodeficiency. Identifiers: MedGen C0021051, MONDO:0021094, HP:0002721.

Allele frequency attached by ClinVar (database versions not stated): gnomAD exomes below 0.00001.
gnomAD v4.1: 3 of 1,614,014 alleles (0.00019%); highest among the groups gnomAD compares: Non-Finnish European, 0.00025%; no homozygotes.

Submission:

Labcorp Genetics (formerly Invitae), Labcorp
Classification: Uncertain significance for Immunodeficiency. Last evaluated: 2023-10-22. Review status: criteria provided, single submitter. Criteria: Invitae Variant Classification Sherloc (09022015). Collection method: clinical testing. Allele origin: germline.
Comment: This sequence change replaces arginine, which is basic and polar, with glutamine, which is neutral and polar, at codon 340 of the NFAT5 protein (p.Arg340Gln). This variant is not present in population databases (gnomAD no frequency). This variant has not been reported in the literature in individuals affected with NFAT5-related conditions. An algorithm developed to predict the effect of missense changes on protein structure and function (PolyPhen-2) suggests that this variant is likely to be disruptive. In summary, the available evidence is currently insufficient to determine the role of this variant in disease. Therefore, it has been classified as a Variant of Uncertain Significance.

NM_138713.4(NFAT5):c.1301G>A (p.Arg434Gln)

Gene: NFAT5 (nuclear factor of activated T cells 5; plus strand). Cytogenetic location: 16q22.1.
Variant type: single nucleotide variant.
Coding change: c.1301G>A on transcript NM_138713.4 (MANE Select); coding-DNA position 1301, G replaced by A.
Protein change: p.Arg434Gln; replaces arginine 434 with glutamine.
Molecular consequence: missense variant.
Genome position (GRCh38, 1-based): chr16:69,659,831, G>A. VCF-style: chr16-69659831-G-A. GRCh37 (hg19) VCF-style: chr16-69693734-G-A.
Other names: c.1301G>A, p.Arg434Gln (NM_001113178.3); c.629G>A, p.Arg210Gln (NM_001367709.1); c.1247G>A, p.Arg416Gln (NM_006599.4); c.1019G>A, p.Arg340Gln (NM_138714.4, NM_173214.3, NM_173215.3); short protein forms R434Q, R210Q, R340Q, R416Q.
Identifiers: ClinVar variation 2754109 (VCV002754109.3), dbSNP rs2036046279, ClinGen allele CA396493625.
Genomic context (GRCh38, chr16:69,659,831, plus strand): 5'-AAGCCAGAATAGGAATTGCTGGTTCCAAGAAGAAAAGCACTCGTGCCAGATTGGTTTTTC[G>A]AGTTAATATCATGAGGAAAGATGGCTCCACTTTGACACTGCAAACACCCTCTTCTCCAAT-3'
Protein context (NP_619727.2, residues 424-444): KKSTRARLVF[Arg434Gln]VNIMRKDGST